The following is an entry in ClinVar:

ClinVar aggregate classification (germline): Uncertain significance. Review status: criteria provided, multiple submitters, no conflicts (2 of 4 stars). 2 submissions from 2 submitters: Uncertain significance (2). Last evaluated 2025-11-18.

Conditions:
Myofibrillar myopathy 6. Identifiers: Orphanet 199340, MedGen C2751831, MONDO:0013061, OMIM 612954.
Dilated cardiomyopathy 1HH (CMD1HH). Identifiers: Orphanet 154, MedGen C3151293, MONDO:0013479, OMIM 613881.

Allele frequency attached by ClinVar (database versions not stated): TOPMed below 0.00001; gnomAD 0.00001.
gnomAD v4.1: 1 of 1,600,464 alleles (0.000062%); highest among the groups gnomAD compares: African/African-American, 0.0014%; no homozygotes.

Submissions (2):

Labcorp Genetics (formerly Invitae), Labcorp
Classification: Uncertain significance for Dilated cardiomyopathy 1HH; Myofibrillar myopathy 6. Last evaluated: 2025-11-18. Review status: criteria provided, single submitter. Criteria: Invitae Variant Classification Sherloc (09022015). Collection method: clinical testing. Allele origin: germline.
Comment: This sequence change replaces threonine, which is neutral and polar, with isoleucine, which is neutral and non-polar, at codon 34 of the BAG3 protein (p.Thr34Ile). This variant is not present in population databases (gnomAD no frequency). This variant has not been reported in the literature in individuals affected with BAG3-related conditions. ClinVar contains an entry for this variant (Variation ID: 1437440). An algorithm developed to predict the effect of missense changes on protein structure and function (PolyPhen-2) suggests that this variant is likely to be disruptive. In summary, the available evidence is currently insufficient to determine the role of this variant in disease. Therefore, it has been classified as a Variant of Uncertain Significance.

Dasa
Classification: Uncertain significance. Last evaluated: 2025-10-09. Review status: criteria provided, single submitter. Criteria: DASA Assertion Criteria. Collection method: clinical testing. Allele origin: germline.
Comment: NM_004281.4(BAG3):c.101C>T (p.Thr34Ile) is a missense variant that results in the substitution of threonine with isoleucine. This variant is rare in population databases. The currently available literature and clinical evidence are not sufficient to establish a definitive association between this variant and the reported condition. Therefore, this variant is classified as a variant of uncertain significance.

NM_004281.4(BAG3):c.101C>T (p.Thr34Ile)

Gene: BAG3 (BAG cochaperone 3; plus strand). Cytogenetic location: 10q26.11.
Variant type: single nucleotide variant.
Coding change: c.101C>T on transcript NM_004281.4 (MANE Select); coding-DNA position 101, C replaced by T.
Protein change: p.Thr34Ile; replaces threonine 34 with isoleucine.
Molecular consequence: missense variant.
Genome position (GRCh38, 1-based): chr10:119,651,776, C>T. VCF-style: chr10-119651776-C-T. GRCh37 (hg19) VCF-style: chr10-121411288-C-T.
Other names: short protein forms T34I.
Identifiers: ClinVar variation 1437440 (VCV001437440.10), dbSNP rs1387616851, ClinGen allele CA378294179.